The following is an entry in ClinVar:

ClinVar aggregate classification (germline): Likely benign (1 of 4 stars; one submission).

Conditions:
Wolfram syndrome 1 (WFS1). Identifiers: Orphanet 3463, MedGen C4551693, MONDO:0009101, OMIM 222300.

Allele frequency attached by ClinVar (database versions not stated): gnomAD 0.00001.
gnomAD v4.1: 1 of 1,612,858 alleles (0.000062%); highest among the groups gnomAD compares: African/African-American, 0.0013%; no homozygotes.

Submission:

Clinical Genomics, Uppaluri K&H Personalized Medicine Clinic
Classification: Likely benign for Wolfram syndrome 1. Review status: criteria provided, single submitter. Criteria: K & H Uppaluri Personalized Medicine Clinic Variant Classification & Assertion Criteria_Updated V.1. Collection method: research. Allele origin: unknown. Inheritance: Autosomal recessive inheritance.
Comment: Potent mutations in WFS1 gene are associated with Wolfram's syndrome, an autosomal recessive condition, which cause diabetes mellitus, diabetes insipidus, deafness and optic atrophy. However no sufficient evidence is found to ascertain the role of this particular variant rs1560421590 in Wolfram's syndrome yet.

Literature cited by the submitters: PubMed 20738327; PubMed 33879153; PubMed 12955714; PubMed 18060660; PubMed 20301750; PubMed 17603484.

NM_006005.3(WFS1):c.2350A>C (p.Ser784Arg)

Gene: WFS1 (wolframin ER transmembrane glycoprotein; plus strand). Cytogenetic location: 4p16.1.
Variant type: single nucleotide variant.
Coding change: c.2350A>C on transcript NM_006005.3 (MANE Select); coding-DNA position 2350, A replaced by C.
Protein change: p.Ser784Arg; replaces serine 784 with arginine.
Molecular consequence: missense variant.
Genome position (GRCh38, 1-based): chr4:6,302,145, A>C. VCF-style: chr4-6302145-A-C. GRCh37 (hg19) VCF-style: chr4-6303872-A-C.
Other names: c.2350A>C, p.Ser784Arg (NM_001145853.1); short protein forms S784R.
Identifiers: ClinVar variation 2442258 (VCV002442258.1), dbSNP rs1560421590, ClinGen allele CA356178419.